The following is an entry in ClinVar:

NM_000719.7(CACNA1C):c.560C>G (p.Pro187Arg)

Gene: CACNA1C (calcium voltage-gated channel subunit alpha1 C; plus strand). Cytogenetic location: 12p13.33.
Variant type: single nucleotide variant.
Coding change: c.560C>G on transcript NM_000719.7 (MANE Select); coding-DNA position 560, C replaced by G.
Protein change: p.Pro187Arg; replaces proline 187 with arginine.
Molecular consequence: missense variant.
Genome position (GRCh38, 1-based): chr12:2,449,058, C>G. VCF-style: chr12-2449058-C-G. GRCh37 (hg19) VCF-style: chr12-2558224-C-G.
Other names: c.560C>G, p.Pro187Arg (NM_001129827.2, NM_001129829.2, NM_001129830.3 and 19 more transcripts); short protein forms P187R.
Identifiers: ClinVar variation 4074589 (VCV004074589.1).

ClinVar aggregate classification (germline): Uncertain significance (1 of 4 stars; one submission).

Submission:

GeneDx
Classification: Uncertain significance. Last evaluated: 2025-02-04. Review status: criteria provided, single submitter. Criteria: GeneDx Variant Classification Process June 2021. Collection method: clinical testing. Allele origin: germline. Affected: yes.
Comment: Not observed at significant frequency in large population cohorts (gnomAD); In silico analysis supports that this missense variant has a deleterious effect on protein structure/function; Has not been previously published as pathogenic or benign to our knowledge